The following is an entry in ClinVar:

ClinVar aggregate classification (germline): Uncertain significance (1 of 4 stars; one submission).

Submission:

GeneDx
Classification: Uncertain significance. Last evaluated: 2025-06-11. Review status: criteria provided, single submitter. Criteria: GeneDx Variant Classification Process June 2021. Collection method: clinical testing. Allele origin: germline. Affected: yes.
Comment: Not observed at significant frequency in large population cohorts (gnomAD); Missense variants in this gene are a common cause of disease and they are underrepresented in the general population; In silico analysis suggests that this missense variant does not alter protein structure/function; Has not been previously published as pathogenic or benign to our knowledge

NM_006306.4(SMC1A):c.2806C>G (p.Gln936Glu)

Gene: SMC1A (structural maintenance of chromosomes 1A; minus strand). Cytogenetic location: Xp11.22.
Variant type: single nucleotide variant.
Coding change: c.2806C>G on transcript NM_006306.4 (MANE Select); coding-DNA position 2806, C replaced by G.
Protein change: p.Gln936Glu; replaces glutamine 936 with glutamic acid.
Molecular consequence: missense variant.
Genome position (GRCh38, 1-based): chrX:53,396,283, G>C on the plus strand (C>G on the coding strand, the complement: SMC1A is on the minus strand). VCF-style: chrX-53396283-G-C. GRCh37 (hg19) VCF-style: chrX-53423203-G-C.
Other names: c.2740C>G, p.Gln914Glu (NM_001281463.1); short protein forms Q914E, Q936E.
Identifiers: ClinVar variation 4538090 (VCV004538090.1).
Genomic context (GRCh38, chrX:53,396,283, plus strand): 5'-TCACCTCTTCCTGACTAATATCATCCATGGTGCCTTTTGACAGTGGCAACTTAATGTCCT[G>C]CATCTTACAGGCCTGTAGCAAGTTGTGACGGTCACTGCGCTTCTGTTCAAGCTTGGTCTC-3'
Protein context (NP_006297.2, residues 926-946): RHNLLQACKM[Gln936Glu]DIKLPLSKGT